The following is an entry in ClinVar:

ClinVar aggregate classification (germline): Likely pathogenic (1 of 4 stars; one submission).

Conditions:
Juvenile neuronal ceroid lipofuscinosis. Also called: Batten Disease. Identifiers: Orphanet 79264, MedGen CN293564, MONDO:0019262.

Submission:

Natera, Inc.
Classification: Likely pathogenic for Batten Disease. Last evaluated: 2025-01-21. Review status: criteria provided, single submitter. Criteria: Natera Variant Classification Schema (03/2026). Collection method: clinical testing. Allele origin: germline.
Comment: The c.46+1G>T variant in CLN3 is a canonical splice donor site variant predicted to affect pre-mRNA splicing, which may result in an abnormal transcript and altered protein product. This variant is expected to result in nonsense mediated decay, truncation, or a dysfunctional protein product. This variant is rare in the general population with a frequency below the threshold expected for the associated phenotype(s). Given the available evidence, this variant is classified as Likely Pathogenic.

NM_001042432.2(CLN3):c.46+1G>T

Gene: CLN3 (CLN3 lysosomal/endosomal transmembrane protein, battenin; minus strand). Cytogenetic location: 16p12.1.
Variant type: single nucleotide variant.
Coding change: c.46+1G>T on transcript NM_001042432.2 (MANE Select); the canonical splice donor site of the intron after coding-DNA position 46, G replaced by T.
Molecular consequence: splice donor variant.
Genome position (GRCh38, 1-based): chr16:28,491,713, C>A on the plus strand (G>T on the coding strand, the complement: CLN3 is on the minus strand). VCF-style: chr16-28491713-C-A. GRCh37 (hg19) VCF-style: chr16-28503034-C-A.
Other names: c.-38+1G>T (NM_001286109.2, NM_001286110.2); c.46+1G>T (NM_001286104.2, NM_000086.2); c.-96+1G>T (NM_001286105.2).
Identifiers: ClinVar variation 4817067 (VCV004817067.1).
Genomic context (GRCh38, chr16:28,491,713, plus strand): 5'-CCCCTCAGGTGGGCTGCGAGCCAGAGGTGGTCGTTCCATGAGGGTGGGCGGGAATACTCA[C>A]CCTCGGAATCCGAAAAGCGCCGCCGCGAGCCTGCACAGCCTCCCATCGCATCAAGTTCAG-3'